The following is an entry in ClinVar:

ClinVar aggregate classification (germline): Uncertain significance (1 of 4 stars; one submission).

Conditions:
Dyskeratosis congenita. Identifiers: Orphanet 1775, MedGen C0265965, MONDO:0015780.

Submission:

Ambry Genetics
Classification: Uncertain significance for Dyskeratosis congenita. Last evaluated: 2023-04-11. Review status: criteria provided, single submitter. Criteria: Ambry Variant Classification Scheme 2023. Collection method: clinical testing. Allele origin: germline.
Comment: The p.R30G variant (also known as c.88C>G), located in coding exon 1 of the TERT gene, results from a C to G substitution at nucleotide position 88. The arginine at codon 30 is replaced by glycine, an amino acid with dissimilar properties. This amino acid position is conserved. In addition, the in silico prediction for this alteration is inconclusive. Since supporting evidence is limited at this time, the clinical significance of this alteration remains unclear.

NM_198253.3(TERT):c.88C>G (p.Arg30Gly)

Genes: TERT (telomerase reverse transcriptase; minus strand), LOC110806263 (TERT 5' regulatory region; plus strand). Cytogenetic location: 5p15.33.
Variant type: single nucleotide variant.
Coding change: c.88C>G on transcript NM_198253.3 (MANE Select); coding-DNA position 88, C replaced by G.
Protein change: p.Arg30Gly; replaces arginine 30 with glycine.
Molecular consequence: missense variant. On other transcripts: non-coding transcript variant (2).
Genome position (GRCh38, 1-based): chr5:1,294,902, G>C on the plus strand (C>G on the coding strand, the complement: TERT is on the minus strand). VCF-style: chr5-1294902-G-C. GRCh37 (hg19) VCF-style: chr5-1295017-G-C.
Other names: c.88C>G, p.Arg30Gly (NM_001193376.3, NM_003219.1); short protein forms R30G.
Identifiers: ClinVar variation 3238491 (VCV003238491.1), dbSNP rs2126692283.
Genomic context (GRCh38, chr5:1,294,902, plus strand): 5'-GCGCGCGGAAAGCCGCCGGGTCCCCGCGCTGCACCAGCCGCCAGCCCTGGGGCCCCAGGC[G>C]CCGCACGAACGTGGCCAGCGGCAGCACCTCGCGGTAGTGGCTGCGCAGCAGGGAGCGCAC-3'
Protein context (NP_937983.2, residues 20-40): EVLPLATFVR[Arg30Gly]LGPQGWRLVQ